The following is an entry in ClinVar:

NM_001135649.3(FOXI3):c.198CGC[6] (p.Ala74_Tyr75insAlaAla)

Gene: FOXI3 (forkhead box I3; minus strand). Cytogenetic location: 2p11.2.
Variant type: Microsatellite.
Coding change: c.198CGC[6] on transcript NM_001135649.3 (MANE Select); six copies in a row of the 3-base unit CGC starting at c.198; the reference has four copies in a row; two copies, 6 bases duplicated.
Protein change: p.Ala74_Tyr75insAlaAla.
Molecular consequence: inframe insertion.
Genome position (GRCh38, 1-based): chr2:88,452,327-88,452,332, GCGGCG duplicated on the plus strand (CGCCGC on the coding strand, the reverse complement: FOXI3 is on the minus strand); duplicating any 6 consecutive bases within chr2:88,452,327-88,452,339 gives the same sequence; the position shown is the placement nearest the transcript's 3' end. VCF-style (leftmost placement, unchanged base first): chr2-88452326-T-TGCGGCG. GRCh37 (hg19) VCF-style: chr2-88751844-T-TGCGGCG.
Identifiers: ClinVar variation 2828719 (VCV002828719.3), dbSNP rs1186422212, ClinGen allele CA1268147913.
Genomic context (GRCh38, chr2:88,452,326, plus strand): 5'-CCCGGCCGCGGCCCCGGGGGGCGGCGGCGGCGGCGGAGCGCCCAGGTACGCGGCGGCGGC[T>TGCGGCG]GCGGCGGCGGCGGAGGGCGGGCCTCCCACGCCGGGCCCGTTGAGCCACAGGTAGGGGTTG-3'

ClinVar aggregate classification (germline): Uncertain significance (1 of 4 stars; one submission).

Submission:

Labcorp Genetics (formerly Invitae), Labcorp
Classification: Uncertain significance. Last evaluated: 2023-11-03. Review status: criteria provided, single submitter. Criteria: Invitae Variant Classification Sherloc (09022015). Collection method: clinical testing. Allele origin: germline.
Comment: This variant, c.204_209dup, results in the insertion of 2 amino acid(s) of the FOXI3 protein (p.Ala73_Ala74dup), but otherwise preserves the integrity of the reading frame. The frequency data for this variant in the population databases is considered unreliable, as metrics indicate insufficient coverage at this position in the gnomAD database. This variant has not been reported in the literature in individuals affected with FOXI3-related conditions. In summary, the available evidence is currently insufficient to determine the role of this variant in disease. Therefore, it has been classified as a Variant of Uncertain Significance.